The following is an entry in ClinVar:

NM_016203.4(PRKAG2):c.206C>G (p.Pro69Arg)

Gene: PRKAG2 (protein kinase AMP-activated non-catalytic subunit gamma 2; minus strand). Cytogenetic location: 7q36.1.
Variant type: single nucleotide variant.
Coding change: c.206C>G on transcript NM_016203.4 (MANE Select); coding-DNA position 206, C replaced by G.
Protein change: p.Pro69Arg; replaces proline 69 with arginine.
Molecular consequence: missense variant. On other transcripts: intron variant (1).
Genome position (GRCh38, 1-based): chr7:151,781,412, G>C on the plus strand (C>G on the coding strand, the complement: PRKAG2 is on the minus strand). VCF-style: chr7-151781412-G-C. GRCh37 (hg19) VCF-style: chr7-151478498-G-C.
Other names: c.74C>G, p.Pro25Arg (NM_001040633.2, NM_001407024.1, NM_001407026.1 and 2 more transcripts); c.206C>G, p.Pro69Arg (NM_001407021.1, NM_001407022.1, NM_001407023.1 and 2 more transcripts); c.148+33004C>G (NM_001407032.1); short protein forms P69R, P25R.
Identifiers: ClinVar variation 2774174 (VCV002774174.2), dbSNP rs182750960, ClinGen allele CA370069912.

ClinVar aggregate classification (germline): Uncertain significance (1 of 4 stars; one submission).

Conditions:
Cardiomyopathy (CMYO). Also called: Cardiomyopathies. Identifiers: Orphanet 167848, MedGen C0878544, MONDO:0004994, HP:0001638. Inheritance: Various modes of inheritance.

gnomAD v4.1: 3 of 1,608,054 alleles (0.00019%); highest among the groups gnomAD compares: East Asian, 0.0067%; no homozygotes.

Submission:

Color Diagnostics, LLC DBA Color Health
Classification: Uncertain significance for Cardiomyopathy. Last evaluated: 2024-03-07. Review status: criteria provided, single submitter. Criteria: ACMG Guidelines, 2015. Collection method: clinical testing. Allele origin: germline.
Comment: This missense variant replaces proline with arginine at codon 69 of the PRKAG2 protein. Computational prediction suggests that this variant may not impact protein structure and function (internally defined REVEL score threshold <= 0.5, PMID: 27666373). To our knowledge, functional studies have not been reported for this variant. This variant has not been reported in individuals affected with cardiovascular disorders in the literature. This variant has been identified in 2/31360 chromosomes in the general population by the Genome Aggregation Database (gnomAD). The available evidence is insufficient to determine the role of this variant in disease conclusively. Therefore, this variant is classified as a Variant of Uncertain Significance.